The following is an entry in ClinVar:

NM_007347.5(AP4E1):c.355G>T (p.Ala119Ser)

Gene: AP4E1 (adaptor related protein complex 4 subunit epsilon 1; plus strand). Cytogenetic location: 15q21.2.
Variant type: single nucleotide variant.
Coding change: c.355G>T on transcript NM_007347.5 (MANE Select); coding-DNA position 355, G replaced by T.
Protein change: p.Ala119Ser; replaces alanine 119 with serine.
Molecular consequence: missense variant.
Genome position (GRCh38, 1-based): chr15:50,923,939, G>T. VCF-style: chr15-50923939-G-T. GRCh37 (hg19) VCF-style: chr15-51216136-G-T.
Other names: c.130G>T, p.Ala44Ser (NM_001252127.2); short protein forms A44S, A119S.
Identifiers: ClinVar variation 2038047 (VCV002038047.5), dbSNP rs764674581, ClinGen allele CA7558740.
Genomic context (GRCh38, chr15:50,923,939, plus strand): 5'-AAAAGTCTGTTTTTGGTAGTTAGTAATCAGACTTTTCCCTCAACTTTTATAGGTTATTTG[G>T]CTGTTTCCTTATTTCTACATGAAAGTCATGAATTATTGCTTCTCCTTGTGAATACAGTTG-3'
Protein context (NP_031373.2, residues 109-129): NLLEKRVGYL[Ala119Ser]VSLFLHESHE

ClinVar aggregate classification (germline): Uncertain significance. Review status: criteria provided, multiple submitters, no conflicts (2 of 4 stars). 2 submissions from 2 submitters: Uncertain significance (2). Last evaluated 2022-12-21.

Conditions:
Spastic paraplegia. Identifiers: MedGen C0037772, HP:0001258.
Inborn genetic diseases. Identifiers: MedGen C0950123, MeSH D030342.

Allele frequency attached by ClinVar (database versions not stated): gnomAD exomes 0.00001; gnomAD 0.00002; ExAC 0.00001; TOPMed 0.00002.
gnomAD v4.1: 13 of 1,610,948 alleles (0.00081%); highest among the groups gnomAD compares: Admixed American, 0.015%; no homozygotes.

Submissions (2):

Ambry Genetics
Classification: Uncertain significance for Inborn genetic diseases. Last evaluated: 2022-12-21. Review status: criteria provided, single submitter. Criteria: Ambry Variant Classification Scheme 2023. Collection method: clinical testing. Allele origin: germline.

Labcorp Genetics (formerly Invitae), Labcorp
Classification: Uncertain significance for Spastic paraplegia. Last evaluated: 2022-06-07. Review status: criteria provided, single submitter. Criteria: Invitae Variant Classification Sherloc (09022015). Collection method: clinical testing. Allele origin: germline.
Comment: In summary, the available evidence is currently insufficient to determine the role of this variant in disease. Therefore, it has been classified as a Variant of Uncertain Significance. Algorithms developed to predict the effect of sequence changes on RNA splicing suggest that this variant may disrupt the consensus splice site. Algorithms developed to predict the effect of missense changes on protein structure and function are either unavailable or do not agree on the potential impact of this missense change (SIFT: "Deleterious"; PolyPhen-2: "Probably Damaging"; Align-GVGD: "Class C0"). This variant has not been reported in the literature in individuals affected with AP4E1-related conditions. This variant is present in population databases (rs764674581, gnomAD 0.02%). This sequence change replaces alanine, which is neutral and non-polar, with serine, which is neutral and polar, at codon 119 of the AP4E1 protein (p.Ala119Ser).